The following is an entry in ClinVar:

NM_004839.4(HOMER2):c.80C>T (p.Ala27Val)

Gene: HOMER2 (homer scaffold protein 2; minus strand). Cytogenetic location: 15q25.2.
Variant type: single nucleotide variant.
Coding change: c.80C>T on transcript NM_004839.4 (MANE Select); coding-DNA position 80, C replaced by T.
Protein change: p.Ala27Val; replaces alanine 27 with valine.
Molecular consequence: missense variant.
Genome position (GRCh38, 1-based): chr15:82,892,767, G>A on the plus strand (C>T on the coding strand, the complement: HOMER2 is on the minus strand). VCF-style: chr15-82892767-G-A. GRCh37 (hg19) VCF-style: chr15-83561519-G-A.
Other names: c.80C>T, p.Ala27Val (NM_199330.3); short protein forms A27V.
Identifiers: ClinVar variation 1378879 (VCV001378879.8), dbSNP rs1427645004, ClinGen allele CA393415665.

ClinVar aggregate classification (germline): Uncertain significance (1 of 4 stars; one submission).

Allele frequency attached by ClinVar (database versions not stated): gnomAD exomes below 0.00001; TOPMed below 0.00001; gnomAD 0.00002.
gnomAD v4.1: 5 of 1,606,130 alleles (0.00031%); highest among the groups gnomAD compares: Admixed American, 0.0017%; no homozygotes.

Submission:

Labcorp Genetics (formerly Invitae), Labcorp
Classification: Uncertain significance. Last evaluated: 2021-06-15. Review status: criteria provided, single submitter. Criteria: Invitae Variant Classification Sherloc (09022015). Collection method: clinical testing. Allele origin: germline.
Comment: In summary, the available evidence is currently insufficient to determine the role of this variant in disease. Therefore, it has been classified as a Variant of Uncertain Significance. Algorithms developed to predict the effect of sequence changes on RNA splicing suggest that this variant may create or strengthen a splice site, but this prediction has not been confirmed by published transcriptional studies. Algorithms developed to predict the effect of missense changes on protein structure and function (SIFT, PolyPhen-2, Align-GVGD) all suggest that this variant is likely to be disruptive, but these predictions have not been confirmed by published functional studies and their clinical significance is uncertain. This variant has been observed in individual(s) with deafness (Invitae). This variant is not present in population databases (ExAC no frequency). This sequence change replaces alanine with valine at codon 27 of the HOMER2 protein (p.Ala27Val). The alanine residue is highly conserved and there is a small physicochemical difference between alanine and valine.